The following is an entry in ClinVar:

NM_001165963.4(SCN1A):c.4855_4858dup (p.Phe1620fs)

Genes: SCN1A (sodium voltage-gated channel alpha subunit 1; minus strand), LOC102724058 (uncharacterized LOC102724058; plus strand). Cytogenetic location: 2q24.3.
Variant type: Duplication.
Coding change: c.4855_4858dup on transcript NM_001165963.4 (MANE Select); coding-DNA positions 4855 to 4858, 4 bases duplicated (ATGT; older notation c.4855_4858dupATGT).
Protein change: p.Phe1620fs; shifts the reading frame from phenylalanine 1620.
Molecular consequence: frameshift variant. On other transcripts: non-coding transcript variant (1).
Genome position (GRCh38, 1-based): chr2:165,992,417-165,992,420, ACAT duplicated on the plus strand (ATGT on the coding strand, the reverse complement: SCN1A is on the minus strand); duplicating any 4 consecutive bases within chr2:165,992,417-165,992,422 gives the same sequence; the c. name uses the placement nearest the transcript's 3' end. VCF-style (leftmost placement, unchanged base first): chr2-165992416-A-AACAT. GRCh37 (hg19) VCF-style: chr2-166848926-A-AACAT.
Other names: c.4771_4774dup, p.Phe1592fs (NM_001165964.3, NM_001353957.2, NM_001353958.2); c.4855_4858dup, p.Phe1620fs (NM_001202435.3, NM_001353948.2); c.4822_4825dup, p.Phe1609fs (NM_001353949.2, NM_001353950.2, NM_001353951.2 and 2 more transcripts); c.4819_4822dup, p.Phe1608fs (NM_001353954.2, NM_001353955.2); c.4768_4771dup, p.Phe1591fs (NM_001353960.2); c.2413_2416dup, p.Phe806fs (NM_001353961.2); short protein forms F1609fs, F1620fs, F806fs, F1591fs, F1592fs, F1608fs.
Identifiers: ClinVar variation 1992844 (VCV001992844.4), dbSNP rs2468341751, ClinGen allele CA2580064446.
Genomic context (GRCh38, chr2:165,992,416, plus strand): 5'-AGACGGATCACTCGGAACAGGGTAGGGGACACGAAATACTTTTCTATCAGCTCGGCAAGA[A>AACAT]ACATACCTATGAATAAACAATGAGAATACCAACCAGTGAAGAAATCATGCGTTAAAATAA-3'

ClinVar aggregate classification (germline): Pathogenic (1 of 4 stars; one submission).

Conditions:
Early-infantile DEE. Also called: Ohtahara syndrome; Early infantile epileptic encephalopathy; Early infantile epileptic encephalopathy with suppression bursts. Identifiers: Orphanet 1934, MedGen C0393706, MONDO:0800491.

Submission:

Labcorp Genetics (formerly Invitae), Labcorp
Classification: Pathogenic for Early-infantile DEE. Last evaluated: 2022-05-10. Review status: criteria provided, single submitter. Criteria: Invitae Variant Classification Sherloc (09022015). Collection method: clinical testing. Allele origin: germline.
Comment: For these reasons, this variant has been classified as Pathogenic. This variant disrupts a region of the SCN1A protein in which other variant(s) (p.Arg1924Leufs*8) have been determined to be pathogenic (PMID: 27465585). This suggests that this is a clinically significant region of the protein, and that variants that disrupt it are likely to be disease-causing. This variant has not been reported in the literature in individuals affected with SCN1A-related conditions. This variant is not present in population databases (gnomAD no frequency). This sequence change creates a premature translational stop signal (p.Phe1620Tyrfs*24) in the SCN1A gene. While this is not anticipated to result in nonsense mediated decay, it is expected to disrupt the last 390 amino acid(s) of the SCN1A protein.

Literature cited by the submitters: PubMed 27465585.